The following is an entry in ClinVar:

NM_000368.5(TSC1):c.1703G>C (p.Gly568Ala)

Gene: TSC1 (TSC complex subunit 1; minus strand). Cytogenetic location: 9q34.13.
Variant type: single nucleotide variant.
Coding change: c.1703G>C on transcript NM_000368.5 (MANE Select); coding-DNA position 1703, G replaced by C.
Protein change: p.Gly568Ala; replaces glycine 568 with alanine.
Molecular consequence: missense variant.
Genome position (GRCh38, 1-based): chr9:132,905,875, C>G on the plus strand (G>C on the coding strand, the complement: TSC1 is on the minus strand). VCF-style: chr9-132905875-C-G. GRCh37 (hg19) VCF-style: chr9-135781262-C-G.
Other names: c.1700G>C, p.Gly567Ala (NM_001162426.2); c.1550G>C, p.Gly517Ala (NM_001162427.2); c.1340G>C, p.Gly447Ala (NM_001362177.2); short protein forms G447A, G567A, G517A, G568A.
Identifiers: ClinVar variation 841739 (VCV000841739.10), dbSNP rs1845633233, ClinGen allele CA375364118.

ClinVar aggregate classification (germline): Uncertain significance. Review status: criteria provided, multiple submitters, no conflicts (2 of 4 stars). 2 submissions from 2 submitters: Uncertain significance (2). Last evaluated 2026-07-06.

Conditions:
Tuberous sclerosis 1 (TSC1). Identifiers: Orphanet 805, MedGen C1854465, MONDO:0008612, OMIM 191100.
Hereditary cancer-predisposing syndrome. Also called: Tumor predisposition; Hereditary neoplastic syndrome; Neoplastic Syndromes, Hereditary; Hereditary Cancer Syndrome. Identifiers: Orphanet 140162, MedGen C0027672, MeSH D009386, MONDO:0015356.

Submissions (2):

Ambry Genetics
Classification: Uncertain significance for Hereditary cancer-predisposing syndrome. Last evaluated: 2026-07-06. Review status: criteria provided, single submitter. Criteria: Ambry Variant Classification Scheme 2023. Collection method: clinical testing. Allele origin: germline.
Comment: The p.G568A variant (also known as c.1703G>C), located in coding exon 13 of the TSC1 gene, results from a G to C substitution at nucleotide position 1703. The glycine at codon 568 is replaced by alanine, an amino acid with similar properties. This amino acid position is conserved. In addition, this alteration is predicted to be tolerated by in silico analysis. Based on the available evidence, the clinical significance of this variant remains unclear.

Labcorp Genetics (formerly Invitae), Labcorp
Classification: Uncertain significance for Tuberous sclerosis 1. Last evaluated: 2023-01-14. Review status: criteria provided, single submitter. Criteria: Invitae Variant Classification Sherloc (09022015). Collection method: clinical testing. Allele origin: germline.
Comment: In summary, the available evidence is currently insufficient to determine the role of this variant in disease. Therefore, it has been classified as a Variant of Uncertain Significance. This sequence change replaces glycine, which is neutral and non-polar, with alanine, which is neutral and non-polar, at codon 568 of the TSC1 protein (p.Gly568Ala). This variant is not present in population databases (gnomAD no frequency). This variant has not been reported in the literature in individuals affected with TSC1-related conditions. ClinVar contains an entry for this variant (Variation ID: 841739). Advanced modeling of protein sequence and biophysical properties (such as structural, functional, and spatial information, amino acid conservation, physicochemical variation, residue mobility, and thermodynamic stability) performed at Invitae indicates that this missense variant is not expected to disrupt TSC1 protein function.